The following is an entry in ClinVar:

ClinVar aggregate classification (germline): Uncertain significance (1 of 4 stars; one submission).

Conditions:
Inborn genetic diseases. Identifiers: MedGen C0950123, MeSH D030342.

Submission:

Ambry Genetics
Classification: Uncertain significance for Inborn genetic diseases. Last evaluated: 2026-06-13. Review status: criteria provided, single submitter. Criteria: Ambry Variant Classification Scheme 2023. Collection method: clinical testing. Allele origin: germline.
Comment: The p.I520T variant (also known as c.1559T>C), located in coding exon 15 of the DDX41 gene, results from a T to C substitution at nucleotide position 1559. The isoleucine at codon 520 is replaced by threonine, an amino acid with similar properties. This amino acid position is conserved. In addition, this alteration is predicted to be deleterious by in silico analysis. Based on the available evidence, the clinical significance of this variant remains unclear.

NM_016222.4(DDX41):c.1559T>C (p.Ile520Thr)

Gene: DDX41 (DEAD-box helicase 41; minus strand). Cytogenetic location: 5q35.3.
Variant type: single nucleotide variant.
Coding change: c.1559T>C on transcript NM_016222.4 (MANE Select); coding-DNA position 1559, T replaced by C.
Protein change: p.Ile520Thr; replaces isoleucine 520 with threonine.
Molecular consequence: missense variant.
Genome position (GRCh38, 1-based): chr5:177,512,384, A>G on the plus strand (T>C on the coding strand, the complement: DDX41 is on the minus strand). VCF-style: chr5-177512384-A-G. GRCh37 (hg19) VCF-style: chr5-176939385-A-G.
Other names: c.1181T>C, p.Ile394Thr (NM_001321732.2, NM_001321830.2); short protein forms I394T, I520T.
Identifiers: ClinVar variation 4869699 (VCV004869699.1).